The following is an entry in ClinVar:

ClinVar aggregate classification (germline): Likely pathogenic (1 of 4 stars; one submission).

Conditions:
Obesity due to melanocortin 4 receptor deficiency. Identifiers: Orphanet 71529, MedGen C4273958, MONDO:0019115.

Submission:

Laboratory for Molecular Medicine, Mass General Brigham Personalized Medicine
Classification: Likely pathogenic for Obesity due to melanocortin 4 receptor deficiency. Last evaluated: 2018-09-19. Review status: criteria provided, single submitter. Criteria: ACMG Guidelines, 2015. Collection method: clinical testing. Allele origin: germline. Inheritance: Autosomal dominant inheritance.
Comment: The p.Arg236AlafsX6 variant in MC4R has not been previously reported in individuals with obesity, but has been identified in 1/111542 European chromosomes by the Genome Aggregation Database (gnomAD). This variant is predicted to cause a frameshift, which alters the protein’s amino acid sequence beginning at position 236 and leads to a premature termination codon 6 amino acids downstream. The MC4R protein is encoded by a single exon; therefore, this alteration is more likely to escape nonsense mediated decay (NMD), resulting in a truncated protein that is missing two transmembrane domains and the c-terminal tail. The c-terminal tail contains a peptide signal which is required for targeting the MC4R protein to the plasma membrane, and removal of that peptide results in cytoplasmic retention of the MC4R protein (Ho 1999). Haploinsufficiency of the MC4R gene is an established disease mechanism in MC4R-related obesity. In summary, although additional studies are required to fully establish its clinical significance, the p.Arg236AlafsX6 variant is likely pathogenic. ACMG/AMP Criteria applied: PVS1_Strong, PM2, PM1.

Literature cited by the submitters: PubMed 10585465.

NM_005912.3(MC4R):c.706del (p.Arg236fs)

Gene: MC4R (melanocortin 4 receptor; minus strand). Cytogenetic location: 18q21.32.
Variant type: Deletion.
Coding change: c.706del on transcript NM_005912.3 (MANE Select); coding-DNA position 706, one base deleted (C; older notation c.706delC).
Protein change: p.Arg236fs; shifts the reading frame from arginine 236.
Molecular consequence: frameshift variant.
Genome position (GRCh38, 1-based): chr18:60,371,644, G deleted on the plus strand (C on the coding strand, the reverse complement: MC4R is on the minus strand); the first of 2 consecutive G bases (chr18:60,371,644-60,371,645); deleting either gives the same sequence. VCF-style (leftmost placement, unchanged base first): chr18-60371643-CG-C. GRCh37 (hg19) VCF-style: chr18-58038876-CG-C.
Other names: short protein forms R236fs.
Identifiers: ClinVar variation 3076077 (VCV003076077.1), dbSNP rs1568178659, ClinGen allele CA630399144.
Genomic context (GRCh38, chr18:60,371,643, plus strand): 5'-ACAACAAAGACGCCAATCAGGATGGTCAAGGTAATCGCTCCCTTCATATTGGCACCTTGG[CG>C]GATGGCACCAGTGCCGGGGAGGACAGCAATCCTCTTAATGTGAAGCCTGGCCATCAGGAA-3'